The following is an entry in ClinVar:

ClinVar aggregate classification (germline): Uncertain significance (1 of 4 stars; one submission).

Submission:

Labcorp Genetics (formerly Invitae), Labcorp
Classification: Uncertain significance. Last evaluated: 2022-08-03. Review status: criteria provided, single submitter. Criteria: Invitae Variant Classification Sherloc (09022015). Collection method: clinical testing. Allele origin: germline.
Comment: In summary, the available evidence is currently insufficient to determine the role of this variant in disease. Therefore, it has been classified as a Variant of Uncertain Significance. Algorithms developed to predict the effect of missense changes on protein structure and function are either unavailable or do not agree on the potential impact of this missense change (SIFT: "Tolerated"; PolyPhen-2: "Probably Damaging"; Align-GVGD: "Class C0"). This variant has not been reported in the literature in individuals affected with SZT2-related conditions. This variant is not present in population databases (gnomAD no frequency). This sequence change replaces leucine, which is neutral and non-polar, with methionine, which is neutral and non-polar, at codon 425 of the SZT2 protein (p.Leu425Met).

NM_001365999.1(SZT2):c.1273T>A (p.Leu425Met)

Gene: SZT2 (SZT2 subunit of KICSTOR complex; plus strand). Cytogenetic location: 1p34.2.
Variant type: single nucleotide variant.
Coding change: c.1273T>A on transcript NM_001365999.1 (MANE Select); coding-DNA position 1273, T replaced by A.
Protein change: p.Leu425Met; replaces leucine 425 with methionine.
Molecular consequence: missense variant.
Genome position (GRCh38, 1-based): chr1:43,420,760, T>A. VCF-style: chr1-43420760-T-A. GRCh37 (hg19) VCF-style: chr1-43886431-T-A.
Other names: c.1273T>A, p.Leu425Met (NM_015284.4); short protein forms L425M.
Identifiers: ClinVar variation 1714902 (VCV001714902.5), dbSNP rs1315864292, ClinGen allele CA340007120.